The following is an entry in ClinVar:

NM_000548.5(TSC2):c.4665C>A (p.Ser1555Arg)

Gene: TSC2 (TSC complex subunit 2; plus strand). Cytogenetic location: 16p13.3.
Variant type: single nucleotide variant.
Coding change: c.4665C>A on transcript NM_000548.5 (MANE Select); coding-DNA position 4665, C replaced by A.
Protein change: p.Ser1555Arg; replaces serine 1555 with arginine.
Molecular consequence: missense variant. On other transcripts: non-coding transcript variant (5).
Genome position (GRCh38, 1-based): chr16:2,086,195, C>A. VCF-style: chr16-2086195-C-A. GRCh37 (hg19) VCF-style: chr16-2136196-C-A.
Other names: c.4353C>A, p.Ser1451Arg (NM_001406678.1); c.4317C>A, p.Ser1439Arg (NM_001406679.1); c.4065C>A, p.Ser1355Arg (NM_001406680.1); c.4005C>A, p.Ser1335Arg (NM_001406681.1); c.3996C>A, p.Ser1332Arg (NM_001406682.1, NM_001406683.1); c.3993C>A, p.Ser1331Arg (NM_001406684.1); c.3867C>A, p.Ser1289Arg (NM_001406685.1, NM_001406686.1); c.3864C>A, p.Ser1288Arg (NM_001406687.1, NM_001406688.1); and 26 more; short protein forms S1064R, S1289R, S1331R, S1355R, S1451R, S1452R, S1483R, S1495R.
Identifiers: ClinVar variation 3661626 (VCV003661626.2).

ClinVar aggregate classification (germline): Uncertain significance (1 of 4 stars; one submission).

Conditions:
Tuberous sclerosis 2 (TSC2). Identifiers: Orphanet 805, MedGen C1860707, MONDO:0013199, OMIM 613254.

Submission:

Labcorp Genetics (formerly Invitae), Labcorp
Classification: Uncertain significance for Tuberous sclerosis 2. Last evaluated: 2024-10-11. Review status: criteria provided, single submitter. Criteria: Invitae Variant Classification Sherloc (09022015). Collection method: clinical testing. Allele origin: germline.
Comment: This sequence change replaces serine, which is neutral and polar, with arginine, which is basic and polar, at codon 1555 of the TSC2 protein (p.Ser1555Arg). This variant is not present in population databases (gnomAD no frequency). This variant has not been reported in the literature in individuals affected with TSC2-related conditions. An algorithm developed to predict the effect of missense changes on protein structure and function (PolyPhen-2) suggests that this variant is likely to be disruptive. In summary, the available evidence is currently insufficient to determine the role of this variant in disease. Therefore, it has been classified as a Variant of Uncertain Significance.